The following is an entry in ClinVar:

NM_025137.4(SPG11):c.2536dup (p.Asp846fs)

Gene: SPG11 (SPG11 vesicle trafficking associated, spatacsin; minus strand). Cytogenetic location: 15q21.1.
Variant type: Duplication.
Coding change: c.2536dup on transcript NM_025137.4 (MANE Select); coding-DNA position 2536, one base duplicated (G; older notation c.2536dupG).
Protein change: p.Asp846fs; shifts the reading frame from aspartic acid 846.
Molecular consequence: frameshift variant.
Genome position (GRCh38, 1-based): chr15:44,621,843, C duplicated on the plus strand (G on the coding strand, the reverse complement: SPG11 is on the minus strand); the first of 2 consecutive C bases (chr15:44,621,843-44,621,844); duplicating either gives the same sequence. VCF-style (leftmost placement, unchanged base first): chr15-44621842-T-TC. GRCh37 (hg19) VCF-style: chr15-44914040-T-TC.
Other names: c.2536dup, p.Asp846fs (NM_001160227.2); short protein forms D846fs.
Identifiers: ClinVar variation 1457408 (VCV001457408.6), dbSNP rs2141027919, ClinGen allele CA2573150871.

ClinVar aggregate classification (germline): Pathogenic (1 of 4 stars; one submission).

Conditions:
Hereditary spastic paraplegia 11. Also called: Spastic Paraplegia 11; Nakamura Osame syndrome; Autosomal recessive hereditary spastic paraplegia, mental impairment, and thin corpus callosum; SPASTIC PARAPLEGIA, AUTOSOMAL RECESSIVE, COMPLICATED, WITH THIN CORPUS CALLOSUM; SPASTIC PARAPLEGIA, AUTOSOMAL RECESSIVE, WITH MENTAL IMPAIRMENT AND THIN CORPUS CALLOSUM; Spastic paraplegia, mental retardation and thin corpus callosum. Identifiers: Orphanet 2822, MedGen C1858479, MONDO:0011445, OMIM 604360.

Submission:

Labcorp Genetics (formerly Invitae), Labcorp
Classification: Pathogenic for Hereditary spastic paraplegia 11. Last evaluated: 2021-08-24. Review status: criteria provided, single submitter. Criteria: Invitae Variant Classification Sherloc (09022015). Collection method: clinical testing. Allele origin: germline.
Comment: For these reasons, this variant has been classified as Pathogenic. This variant has not been reported in the literature in individuals affected with SPG11-related conditions. This variant is not present in population databases (ExAC no frequency). This sequence change creates a premature translational stop signal (p.Asp846Glyfs*3) in the SPG11 gene. It is expected to result in an absent or disrupted protein product. Loss-of-function variants in SPG11 are known to be pathogenic (PMID: 19105190, 20110243, 22154821, 26556829).

Literature cited by the submitters: PubMed 19105190; PubMed 20110243; PubMed 22154821; PubMed 26556829.